The following is an entry in ClinVar:

ClinVar aggregate classification (germline): Uncertain significance (1 of 4 stars; one submission).

Allele frequency attached by ClinVar (database versions not stated): ExAC 0.00003; TOPMed 0.00003; gnomAD 0.00005; gnomAD exomes 0.00005 and 0.00006; ESP Exome Variant Server 0.00015.
gnomAD v4.1: 92 of 1,613,806 alleles (0.0057%); highest among the groups gnomAD compares: Admixed American, 0.0083%; no homozygotes.

Submission:

Labcorp Genetics (formerly Invitae), Labcorp
Classification: Uncertain significance. Last evaluated: 2022-06-28. Review status: criteria provided, single submitter. Criteria: Invitae Variant Classification Sherloc (09022015). Collection method: clinical testing. Allele origin: germline.
Comment: This sequence change replaces glutamic acid, which is acidic and polar, with lysine, which is basic and polar, at codon 1318 of the ZNF335 protein (p.Glu1318Lys). This variant is present in population databases (rs142441368, gnomAD 0.007%). This variant has not been reported in the literature in individuals affected with ZNF335-related conditions. Algorithms developed to predict the effect of missense changes on protein structure and function (SIFT, PolyPhen-2, Align-GVGD) all suggest that this variant is likely to be disruptive. In summary, the available evidence is currently insufficient to determine the role of this variant in disease. Therefore, it has been classified as a Variant of Uncertain Significance.

NM_022095.4(ZNF335):c.3952G>A (p.Glu1318Lys)

Gene: ZNF335 (zinc finger protein 335; minus strand). Cytogenetic location: 20q13.12.
Variant type: single nucleotide variant.
Coding change: c.3952G>A on transcript NM_022095.4 (MANE Select); coding-DNA position 3952, G replaced by A.
Protein change: p.Glu1318Lys; replaces glutamic acid 1318 with lysine.
Molecular consequence: missense variant.
Genome position (GRCh38, 1-based): chr20:45,949,030, C>T on the plus strand (G>A on the coding strand, the complement: ZNF335 is on the minus strand). VCF-style: chr20-45949030-C-T. GRCh37 (hg19) VCF-style: chr20-44577669-C-T.
Other names: short protein forms E1318K.
Identifiers: ClinVar variation 1379519 (VCV001379519.3), dbSNP rs142441368, ClinGen allele CA9884757.